The following is an entry in ClinVar:

ClinVar aggregate classification (germline): Pathogenic. Review status: criteria provided, multiple submitters, no conflicts (2 of 4 stars). 2 submissions from 2 submitters: Pathogenic (2). Last evaluated 2026-09-16.

Conditions:
DICER1-related tumor predisposition. Also called: DICER1-related pleuropulmonary blastoma cancer predisposition syndrome; DICER1 syndrome. Identifiers: Orphanet 284343, MedGen C3839822, MONDO:0100216.

Submissions (2):

Myriad Genetics, Inc.
Classification: Pathogenic for DICER1-related tumor predisposition. Last evaluated: 2026-09-16. Review status: criteria provided, single submitter. Criteria: Myriad Autosomal Dominant, Autosomal Recessive and X-Linked Classification Criteria (2023). Collection method: clinical testing. Allele origin: unknown.
Comment: This variant is considered pathogenic. This variant creates a frameshift predicted to result in premature protein truncation.

Labcorp Genetics (formerly Invitae), Labcorp
Classification: Pathogenic for DICER1-related tumor predisposition. Last evaluated: 2021-11-22. Review status: criteria provided, single submitter. Criteria: Invitae Variant Classification Sherloc (09022015). Collection method: clinical testing. Allele origin: germline.
Comment: For these reasons, this variant has been classified as Pathogenic. This variant has not been reported in the literature in individuals affected with DICER1-related conditions. This variant is not present in population databases (gnomAD no frequency). This sequence change creates a premature translational stop signal (p.Ser1477Leufs*13) in the DICER1 gene. It is expected to result in an absent or disrupted protein product. Loss-of-function variants in DICER1 are known to be pathogenic (PMID: 19556464, 21266384).

Literature cited by the submitters: PubMed 19556464 (cited by Labcorp Genetics (formerly Invitae), Labcorp); PubMed 21266384 (cited by Labcorp Genetics (formerly Invitae), Labcorp).

NM_177438.3(DICER1):c.4429del (p.Ser1477fs)

Gene: DICER1 (dicer 1, ribonuclease III; minus strand). Cytogenetic location: 14q32.13.
Variant type: Deletion.
Coding change: c.4429del on transcript NM_177438.3 (MANE Select); coding-DNA position 4429, one base deleted (T; older notation c.4429delT).
Protein change: p.Ser1477fs; shifts the reading frame from serine 1477.
Molecular consequence: frameshift variant.
Genome position (GRCh38, 1-based): chr14:95,096,491, A deleted on the plus strand (T on the coding strand, the reverse complement: DICER1 is on the minus strand); the first of 2 consecutive A bases (chr14:95,096,491-95,096,492); deleting either gives the same sequence. VCF-style (leftmost placement, unchanged base first): chr14-95096490-GA-G. GRCh37 (hg19) VCF-style: chr14-95562827-GA-G.
Other names: c.4429del, p.Ser1477fs (NM_001195573.1, NM_001271282.3, NM_001291628.2 and 1 more transcripts); short protein forms S1477fs.
Identifiers: ClinVar variation 1405198 (VCV001405198.8), dbSNP rs2139850703, ClinGen allele CA2573150300.
Genomic context (GRCh38, chr14:95,096,490, plus strand): 5'-TCTGATGAAAATGGCATACTACCTAAGGAGGATTTTTTGGGCATTTTCCATTCATATGCA[GA>G]ATCAGTGGTTGAAAAAGGAGAAAGAGAGATTTTCTTTACAAAAGCTCCTGACCCCATTAA-3'